The following is an entry in ClinVar:

ClinVar aggregate classification (germline): Conflicting classifications of pathogenicity. Review status: criteria provided, conflicting classifications (1 of 4 stars). 2 submissions from 2 submitters: Uncertain significance (1); Likely benign (1). Last evaluated 2025-04-11.

Allele frequency attached by ClinVar (database versions not stated): TOPMed 0.00001; ExAC 0.00002; gnomAD exomes 0.00002.
gnomAD v4.1: 8 of 1,613,938 alleles (0.0005%); highest among the groups gnomAD compares: Admixed American, 0.013%; no homozygotes.

Submissions (2):

Labcorp Genetics (formerly Invitae), Labcorp
Classification: Uncertain significance. Last evaluated: 2025-04-11. Review status: criteria provided, single submitter. Criteria: Invitae Variant Classification Sherloc (09022015). Collection method: clinical testing. Allele origin: germline.
Comment: This sequence change replaces lysine, which is basic and polar, with glutamic acid, which is acidic and polar, at codon 1469 of the SPTBN2 protein (p.Lys1469Glu). This variant is present in population databases (rs772124555, gnomAD 0.02%). This variant has not been reported in the literature in individuals affected with SPTBN2-related conditions. ClinVar contains an entry for this variant (Variation ID: 448502). Invitae Evidence Modeling of protein sequence and biophysical properties (such as structural, functional, and spatial information, amino acid conservation, physicochemical variation, residue mobility, and thermodynamic stability) indicates that this missense variant is not expected to disrupt SPTBN2 protein function with a negative predictive value of 80%. In summary, the available evidence is currently insufficient to determine the role of this variant in disease. Therefore, it has been classified as a Variant of Uncertain Significance.

Athena Diagnostics
Classification: Likely benign. Last evaluated: 2016-12-20. Review status: criteria provided, single submitter. Criteria: Athena Diagnostics Criteria. Collection method: clinical testing. Allele origin: germline.

NM_006946.4(SPTBN2):c.4405A>G (p.Lys1469Glu)

Gene: SPTBN2 (spectrin beta, non-erythrocytic 2; minus strand). Cytogenetic location: 11q13.2.
Variant type: single nucleotide variant.
Coding change: c.4405A>G on transcript NM_006946.4 (MANE Select); coding-DNA position 4405, A replaced by G.
Protein change: p.Lys1469Glu; replaces lysine 1469 with glutamic acid.
Molecular consequence: missense variant.
Genome position (GRCh38, 1-based): chr11:66,694,237, T>C on the plus strand (A>G on the coding strand, the complement: SPTBN2 is on the minus strand). VCF-style: chr11-66694237-T-C. GRCh37 (hg19) VCF-style: chr11-66461708-T-C.
Other names: short protein forms K1469E.
Identifiers: ClinVar variation 448502 (VCV000448502.2), dbSNP rs772124555, ClinGen allele CA6128596.